The following is an entry in ClinVar:

ClinVar aggregate classification (germline): Likely pathogenic. Review status: criteria provided, multiple submitters, no conflicts (2 of 4 stars). 4 submissions from 4 submitters: Likely pathogenic (4). Last evaluated 2025-10-26.

Conditions:
Long chain 3-hydroxyacyl-CoA dehydrogenase deficiency. Also called: Deficiency of long-chain 3-hydroxyacyl-coenzyme A dehydrogenase; LCHAD Deficiency. Identifiers: Orphanet 5, MedGen C3711645, MONDO:0012173, OMIM 609016.
HADHA-related disorder. Also called: HADHA-related disorders; HADHA-related condition.
Mitochondrial trifunctional protein deficiency. Identifiers: Orphanet 746, MedGen C1969443, MONDO:0012172.

Allele frequency attached by ClinVar (database versions not stated): gnomAD exomes below 0.00001; gnomAD 0.00001; TOPMed 0.00002.
gnomAD v4.1: 4 of 1,609,916 alleles (0.00025%); highest among the groups gnomAD compares: Non-Finnish European, 0.00025%; no homozygotes.

Submissions (4):

Labcorp Genetics (formerly Invitae), Labcorp
Classification: Likely pathogenic for Mitochondrial trifunctional protein deficiency; Long chain 3-hydroxyacyl-CoA dehydrogenase deficiency. Last evaluated: 2025-10-26. Review status: criteria provided, single submitter. Criteria: Invitae Variant Classification Sherloc (09022015). Collection method: clinical testing. Allele origin: germline.
Comment: This sequence change affects a donor splice site in intron 4 of the HADHA gene. It is expected to disrupt RNA splicing. Variants that disrupt the donor or acceptor splice site typically lead to a loss of protein function (PMID: 16199547), and loss-of-function variants in HADHA are known to be pathogenic (PMID: 7738175, 21103935, 21549624, 22459206). This variant is present in population databases (no rsID available, gnomAD 0.0009%). This variant has not been reported in the literature in individuals affected with HADHA-related conditions. ClinVar contains an entry for this variant (Variation ID: 2178770). Algorithms developed to predict the effect of sequence changes on RNA splicing suggest that this variant may disrupt the consensus splice site. In summary, the currently available evidence indicates that the variant is pathogenic, but additional data are needed to prove that conclusively. Therefore, this variant has been classified as Likely Pathogenic.

Natera, Inc.
Classification: Likely pathogenic for Deficiency of long-chain 3-hydroxyacyl-coenzyme A dehydrogenase. Last evaluated: 2025-04-27. Review status: criteria provided, single submitter. Criteria: Natera Variant Classification Schema (03/2026). Collection method: clinical testing. Allele origin: germline.
Comment: The c.314+2T>G variant in HADHA is a canonical splice donor site variant predicted to affect pre-mRNA splicing, which may result in an abnormal transcript and altered protein product. This variant is expected to result in nonsense mediated decay, truncation, or a dysfunctional protein product. This variant is rare in the general population with a frequency below the threshold expected for the associated phenotype(s). Given the available evidence, this variant is classified as Likely Pathogenic.

Blueprint Genetics
Classification: Likely pathogenic for HADHA-related disorders. Last evaluated: 2023-01-19. Review status: criteria provided, single submitter. Criteria: ACMG Guidelines, 2015. Collection method: clinical testing. Allele origin: germline. Affected: yes. Observed: 1 variant allele.

Revvity Omics, Revvity
Classification: Likely pathogenic. Last evaluated: 2021-11-30. Review status: criteria provided, single submitter. Criteria: ACMG Guidelines, 2015. Collection method: clinical testing. Allele origin: germline.

Literature cited by the submitters: PubMed 16199547 (cited by Labcorp Genetics (formerly Invitae), Labcorp); PubMed 7738175 (cited by Labcorp Genetics (formerly Invitae), Labcorp); PubMed 21103935 (cited by Labcorp Genetics (formerly Invitae), Labcorp); PubMed 21549624 (cited by Labcorp Genetics (formerly Invitae), Labcorp); PubMed 22459206 (cited by Labcorp Genetics (formerly Invitae), Labcorp).

NM_000182.5(HADHA):c.314+2T>G

Gene: HADHA (hydroxyacyl-CoA dehydrogenase trifunctional multienzyme complex subunit alpha; minus strand). Cytogenetic location: 2p23.3.
Variant type: single nucleotide variant.
Coding change: c.314+2T>G on transcript NM_000182.5 (MANE Select); the canonical splice donor site of the intron after coding-DNA position 314, T replaced by G.
Molecular consequence: splice donor variant.
Genome position (GRCh38, 1-based): chr2:26,236,853, A>C on the plus strand (T>G on the coding strand, the complement: HADHA is on the minus strand). VCF-style: chr2-26236853-A-C. GRCh37 (hg19) VCF-style: chr2-26459721-A-C.
Other names: c.314+2T>G (NM_000182.4).
Identifiers: ClinVar variation 2178770 (VCV002178770.10), dbSNP rs934411514, ClinGen allele CA44355592.